The following is an entry in ClinVar:

NM_001291088.2(WDR87):c.4131A>T (p.Arg1377Ser)

Gene: WDR87 (WD repeat domain 87; minus strand). Cytogenetic location: 19q13.13.
Variant type: single nucleotide variant.
Coding change: c.4131A>T on transcript NM_001291088.2 (MANE Select); coding-DNA position 4131, A replaced by T.
Protein change: p.Arg1377Ser; replaces arginine 1377 with serine.
Molecular consequence: missense variant.
Genome position (GRCh38, 1-based): chr19:37,889,540, T>A on the plus strand (A>T on the coding strand, the complement: WDR87 is on the minus strand). VCF-style: chr19-37889540-T-A. GRCh37 (hg19) VCF-style: chr19-38380180-T-A.
Other names: c.4014A>T, p.Arg1338Ser (NM_031951.5); short protein forms R1338S, R1377S.
Identifiers: ClinVar variation 2048731 (VCV002048731.4), dbSNP rs2513346742, ClinGen allele CA405610607.

ClinVar aggregate classification (germline): Uncertain significance (1 of 4 stars; one submission).

Submission:

Labcorp Genetics (formerly Invitae), Labcorp
Classification: Uncertain significance. Last evaluated: 2024-01-17. Review status: criteria provided, single submitter. Criteria: Invitae Variant Classification Sherloc (09022015). Collection method: clinical testing. Allele origin: germline.
Comment: This sequence change replaces arginine, which is basic and polar, with serine, which is neutral and polar, at codon 1338 of the WDR87 protein (p.Arg1338Ser). This variant is not present in population databases (gnomAD no frequency). This variant has not been reported in the literature in individuals affected with WDR87-related conditions. ClinVar contains an entry for this variant (Variation ID: 2048731). Algorithms developed to predict the effect of missense changes on protein structure and function output the following: SIFT: "Not Available"; PolyPhen-2: "Benign"; Align-GVGD: "Not Available". The serine amino acid residue is found in multiple mammalian species, which suggests that this missense change does not adversely affect protein function. In summary, the available evidence is currently insufficient to determine the role of this variant in disease. Therefore, it has been classified as a Variant of Uncertain Significance.